The following is an entry in ClinVar:

ClinVar aggregate classification (germline): Uncertain significance. Review status: criteria provided, multiple submitters, no conflicts (2 of 4 stars). 2 submissions from 2 submitters: Uncertain significance (2). Last evaluated 2025-01-27.

Conditions:
Vitamin B2 deficiency. Identifiers: MedGen C0035528.

Allele frequency attached by ClinVar (database versions not stated): gnomAD 0.00001; TOPMed 0.00002; ExAC 0.00004.

Submissions (2):

Labcorp Genetics (formerly Invitae), Labcorp
Classification: Uncertain significance for Vitamin B2 deficiency. Last evaluated: 2025-01-27. Review status: criteria provided, single submitter. Criteria: Invitae Variant Classification Sherloc (09022015). Collection method: clinical testing. Allele origin: germline.
Comment: This sequence change replaces arginine, which is basic and polar, with histidine, which is basic and polar, at codon 169 of the SLC52A1 protein (p.Arg169His). This variant is present in population databases (rs769268771, gnomAD 0.01%). This variant has not been reported in the literature in individuals affected with SLC52A1-related conditions. ClinVar contains an entry for this variant (Variation ID: 2201727). Invitae Evidence Modeling of protein sequence and biophysical properties (such as structural, functional, and spatial information, amino acid conservation, physicochemical variation, residue mobility, and thermodynamic stability) indicates that this missense variant is not expected to disrupt SLC52A1 protein function with a negative predictive value of 80%. In summary, the available evidence is currently insufficient to determine the role of this variant in disease. Therefore, it has been classified as a Variant of Uncertain Significance.

Ambry Genetics
Classification: Uncertain significance. Last evaluated: 2024-09-24. Review status: criteria provided, single submitter. Criteria: Ambry Variant Classification Scheme 2023. Collection method: clinical testing. Allele origin: germline.

NM_017986.4(SLC52A1):c.506G>A (p.Arg169His)

Gene: SLC52A1 (solute carrier family 52 member 1; minus strand). Cytogenetic location: 17p13.2.
Variant type: single nucleotide variant.
Coding change: c.506G>A on transcript NM_017986.4 (MANE Select); coding-DNA position 506, G replaced by A.
Protein change: p.Arg169His; replaces arginine 169 with histidine.
Molecular consequence: missense variant.
Genome position (GRCh38, 1-based): chr17:5,033,983, C>T on the plus strand (G>A on the coding strand, the complement: SLC52A1 is on the minus strand). VCF-style: chr17-5033983-C-T. GRCh37 (hg19) VCF-style: chr17-4937278-C-T.
Other names: c.506G>A, p.Arg169His (NM_001104577.2); c.506G>A (NM_001104577.1); short protein forms R169H.
Identifiers: ClinVar variation 2201727 (VCV002201727.5), dbSNP rs769268771, ClinGen allele CA8319776.
Genomic context (GRCh38, chr17:5,033,983, plus strand): 5'-TCAGGGAAGTCGAGGGGAGGCCCAGAGGTGCCATTGGTGGGCGCTGGTGGGCACTCGAGG[C>T]GGCCCACACCTTGCACTAGGGCCAGCACACAGGGGAGTAGGGCACTGAGACCCTGACCCA-3'
Protein context (NP_060456.3, residues 159-179): CVLALVQGVG[Arg169His]LECPPAPTNG